The following is an entry in ClinVar:

NM_000088.4(COL1A1):c.4368C>T (p.Phe1456=)

Gene: COL1A1 (collagen type I alpha 1 chain; minus strand). Cytogenetic location: 17q21.33.
Variant type: single nucleotide variant.
Coding change: c.4368C>T on transcript NM_000088.4 (MANE Select); coding-DNA position 4368, C replaced by T.
Protein change: p.Phe1456=; no amino-acid change (phenylalanine 1456 retained).
Molecular consequence: synonymous variant.
Genome position (GRCh38, 1-based): chr17:50,185,529, G>A on the plus strand (C>T on the coding strand, the complement: COL1A1 is on the minus strand). VCF-style: chr17-50185529-G-A. GRCh37 (hg19) VCF-style: chr17-48262890-G-A.
Other names: p.Phe1456=.
Identifiers: ClinVar variation 1123226 (VCV001123226.12), dbSNP rs765224053, ClinGen allele CA8644173.
Genomic context (GRCh38, chr17:50,185,529, plus strand): 5'-GGTGGGAGGGAGCCAGGTTGGGATGGAGGGAGTTTACAGGAAGCAGACAGGGCCAACGTC[G>A]AAGCCGAATTCCTGGTCTGGGGCACCAACGTCCAAGGGGGCCACATCGATGATGGGCAGG-3'
Protein context (NP_000079.2, residues 1446-1464): DVGAPDQEFG[Phe1456=]DVGPVCFL

ClinVar aggregate classification (germline): Likely benign. Review status: criteria provided, multiple submitters, no conflicts (2 of 4 stars). 3 submissions from 3 submitters: Likely benign (3). Last evaluated 2025-11-28.

Conditions:
Cardiovascular phenotype. Identifiers: MedGen CN230736.
Osteogenesis imperfecta type I (OI1). Also called: Lobstein's Disease; Osteogenesis imperfecta type 1; Lobstein disease; Classic Non-deforming Osteogenesis Imperfecta with Blue Sclerae; OI, TYPE I; OSTEOGENESIS IMPERFECTA TARDA. Identifiers: Orphanet 216796, Orphanet 666, MedGen C0023931, MONDO:0008146, OMIM 166200. Disease mechanism: loss of function.

Allele frequency attached by ClinVar (database versions not stated): gnomAD 0.00001.

Submissions (3):

Labcorp Genetics (formerly Invitae), Labcorp
Classification: Likely benign for Osteogenesis imperfecta type I. Last evaluated: 2025-11-28. Review status: criteria provided, single submitter. Criteria: Invitae Variant Classification Sherloc (09022015). Collection method: clinical testing. Allele origin: germline.

Mayo Clinic Laboratories, Mayo Clinic
Classification: Likely benign. Last evaluated: 2025-10-17. Review status: criteria provided, single submitter. Criteria: ACMG Guidelines, 2015. Collection method: clinical testing. Allele origin: germline. Observed: 1 variant allele.
Comment: BP4, BP7

Ambry Genetics
Classification: Likely benign for Cardiovascular phenotype. Last evaluated: 2022-03-03. Review status: criteria provided, single submitter. Criteria: Ambry Variant Classification Scheme 2023. Collection method: clinical testing. Allele origin: germline.